The following is an entry in ClinVar:

ClinVar aggregate classification (germline): Likely pathogenic (1 of 4 stars; one submission).

Conditions:
Intellectual developmental disorder, autosomal recessive 68. Also called: MENTAL RETARDATION, AUTOSOMAL RECESSIVE 68. Identifiers: MedGen C4749033, MONDO:0032665, OMIM 618302.

Submission:

Dasa
Classification: Likely pathogenic for Intellectual developmental disorder, autosomal recessive 68. Last evaluated: 2025-03-02. Review status: criteria provided, single submitter. Criteria: DASA Assertion Criteria. Collection method: clinical testing. Allele origin: germline.
Comment: NM_001136035.4(TRMT1):c.759del (p.Leu254Cysfs*4) is a frameshift variant in TRMT1 predicted to alter the reading frame and introduce a premature termination codon and is predicted to result in an absent or altered protein product. Loss of function is an established disease mechanism for TRMT1-associated disorders. Also, this variant is rare in population databases. Based on the currently available evidence, this variant is classified as likely pathogenic.

NM_001136035.4(TRMT1):c.759del

Gene: TRMT1 (tRNA methyltransferase 1; minus strand). Cytogenetic location: 19p13.13.
Variant type: Deletion.
Coding change: c.759del on transcript NM_001136035.4 (MANE Select); coding-DNA position 759, one base deleted (G; older notation c.759delG).
Molecular consequence: splice acceptor variant.
Genome position (GRCh38, 1-based): chr19:13,112,816, C deleted on the plus strand (G on the coding strand, the reverse complement: TRMT1 is on the minus strand); the first of 3 consecutive C bases (chr19:13,112,816-13,112,818); deleting any one gives the same sequence. VCF-style (leftmost placement, unchanged base first): chr19-13112815-AC-A. GRCh37 (hg19) VCF-style: chr19-13223629-AC-A.
Identifiers: ClinVar variation 4880653 (VCV004880653.2).